The following is an entry in ClinVar:

ClinVar aggregate classification (germline): Uncertain significance (1 of 4 stars; one submission).

Conditions:
Hereditary cancer-predisposing syndrome. Also called: Neoplastic Syndromes, Hereditary; Tumor predisposition; Hereditary neoplastic syndrome; Hereditary Cancer Syndrome. Identifiers: Orphanet 140162, MedGen C0027672, MeSH D009386, MONDO:0015356.

Submission:

Ambry Genetics
Classification: Uncertain significance for Hereditary cancer-predisposing syndrome. Last evaluated: 2026-07-07. Review status: criteria provided, single submitter. Criteria: Ambry Variant Classification Scheme 2023. Collection method: clinical testing. Allele origin: germline.
Comment: The p.E438K variant (also known as c.1312G>A), located in coding exon 11 of the SUFU gene, results from a G to A substitution at nucleotide position 1312. The glutamic acid at codon 438 is replaced by lysine, an amino acid with similar properties. This amino acid position is conserved. In addition, the in silico prediction for this alteration is inconclusive. Based on the available evidence, the clinical significance of this variant remains unclear.

NM_016169.4(SUFU):c.1312G>A (p.Glu438Lys)

Gene: SUFU (SUFU negative regulator of hedgehog signaling; plus strand). Cytogenetic location: 10q24.32.
Variant type: single nucleotide variant.
Coding change: c.1312G>A on transcript NM_016169.4 (MANE Select); coding-DNA position 1312, G replaced by A.
Protein change: p.Glu438Lys; replaces glutamic acid 438 with lysine.
Molecular consequence: missense variant.
Genome position (GRCh38, 1-based): chr10:102,627,190, G>A. VCF-style: chr10-102627190-G-A. GRCh37 (hg19) VCF-style: chr10-104386947-G-A.
Other names: short protein forms E438K.
Identifiers: ClinVar variation 5030421 (VCV005030421.1).